The following is an entry in ClinVar:

ClinVar aggregate classification (germline): Conflicting classifications of pathogenicity. Review status: criteria provided, conflicting classifications (1 of 4 stars). 2 submissions from 2 submitters: Uncertain significance (1); Likely benign (1). Last evaluated 2026-06-30.

Conditions:
Inborn genetic diseases. Identifiers: MedGen C0950123, MeSH D030342.
KCNT2-related disorder. Also called: KCNT2-related condition. Identifiers: MedGen CN236796.

gnomAD v4.1: 34 of 1,613,288 alleles (0.0021%); highest among the groups gnomAD compares: African/African-American, 0.017%; no homozygotes.

Submissions (2):

PreventionGenetics, part of Exact Sciences
Classification: Likely benign for KCNT2-related condition. Last evaluated: 2026-06-30. Review status: criteria provided, single submitter. Criteria: ACMG Guidelines, 2015. Collection method: clinical testing. Allele origin: germline.
Comment: This variant is classified as likely benign based on ACMG/AMP sequence variant interpretation guidelines (Richards et al. 2015 PMID: 25741868, with internal and published modifications).

Ambry Genetics
Classification: Uncertain significance for Inborn genetic diseases. Last evaluated: 2025-08-12. Review status: criteria provided, single submitter. Criteria: Ambry Variant Classification Scheme 2023. Collection method: clinical testing. Allele origin: germline.

NM_198503.5(KCNT2):c.2990G>A (p.Arg997His)

Gene: KCNT2 (potassium sodium-activated channel subfamily T member 2; minus strand). Cytogenetic location: 1q31.3.
Variant type: single nucleotide variant.
Coding change: c.2990G>A on transcript NM_198503.5 (MANE Select); coding-DNA position 2990, G replaced by A.
Protein change: p.Arg997His; replaces arginine 997 with histidine.
Molecular consequence: missense variant. On other transcripts: non-coding transcript variant (2).
Genome position (GRCh38, 1-based): chr1:196,258,415, C>T on the plus strand (G>A on the coding strand, the complement: KCNT2 is on the minus strand). VCF-style: chr1-196258415-C-T. GRCh37 (hg19) VCF-style: chr1-196227545-C-T.
Other names: c.2918G>A, p.Arg973His (NM_001287819.3); c.2789G>A, p.Arg930His (NM_001287820.3); c.2990G>A (NM_198503.3); short protein forms R973H, R997H, R930H.
Identifiers: ClinVar variation 4090764 (VCV004090764.2).
Genomic context (GRCh38, chr1:196,258,415, plus strand): 5'-CACTGCATGCTTTTTCTCCGCAGCAAGGGATGGTCCGACTGATCACTGGATGTTGAGTTG[C>T]GGTGGTTGCTGCGGTGGTGCCCTTGTTCTTTGGAGTCTTTGGTGTCTTCCCACTCTTCTA-3'
Protein context (NP_940905.2, residues 987-1007): KEQGHHRSNH[Arg997His]NSTSSDQSDH